The following is an entry in ClinVar:

ClinVar aggregate classification (germline): Uncertain significance (1 of 4 stars; one submission).

Conditions:
Bethlem myopathy 1A. Also called: Bethlem myopathy 1; Bethlem Muscular Dystrophy; MYOPATHY, BENIGN CONGENITAL, WITH CONTRACTURES. Identifiers: Orphanet 610, MedGen CN029274, MONDO:0024530, OMIM 158810.

Submission:

Labcorp Genetics (formerly Invitae), Labcorp
Classification: Uncertain significance for Bethlem myopathy 1A. Last evaluated: 2021-11-27. Review status: criteria provided, single submitter. Criteria: Invitae Variant Classification Sherloc (09022015). Collection method: clinical testing. Allele origin: germline.
Comment: In summary, the available evidence is currently insufficient to determine the role of this variant in disease. Therefore, it has been classified as a Variant of Uncertain Significance. Algorithms developed to predict the effect of missense changes on protein structure and function are either unavailable or do not agree on the potential impact of this missense change (SIFT: "Not Available"; PolyPhen-2: "Probably Damaging"; Align-GVGD: "Not Available"). This variant has not been reported in the literature in individuals affected with COL6A2-related conditions. Information on the frequency of this variant in the gnomAD database is not available, as this variant may be reported differently in the database. This sequence change replaces serine, which is neutral and polar, with methionine, which is neutral and non-polar, at codon 718 of the COL6A2 protein (p.Ser718Met).

NM_001849.4(COL6A2):c.2153_2154delinsTG (p.Ser718Met)

Gene: COL6A2 (collagen type VI alpha 2 chain; plus strand). Cytogenetic location: 21q22.3.
Variant type: Indel.
Coding change: c.2153_2154delinsTG on transcript NM_001849.4 (MANE Select); coding-DNA positions 2153 to 2154, GC replaced by TG.
Protein change: p.Ser718Met; replaces serine 718 with methionine.
Molecular consequence: missense variant.
Genome position (GRCh38, 1-based): chr21:46,125,968-46,125,969, GC replaced by TG. VCF-style: chr21-46125968-GC-TG. GRCh37 (hg19) VCF-style: chr21-47545882-GC-TG.
Other names: c.2153_2154delinsTG, p.Ser718Met (NM_058174.3, NM_058175.3); short protein forms S718M.
Identifiers: ClinVar variation 1406449 (VCV001406449.6), dbSNP rs2123663867, ClinGen allele CA2573157509.